The following is an entry in ClinVar:

NM_005121.3(MED13):c.4235C>T (p.Thr1412Ile)

Gene: MED13 (mediator complex subunit 13; minus strand). Cytogenetic location: 17q23.2.
Variant type: single nucleotide variant.
Coding change: c.4235C>T on transcript NM_005121.3 (MANE Select); coding-DNA position 4235, C replaced by T.
Protein change: p.Thr1412Ile; replaces threonine 1412 with isoleucine.
Molecular consequence: missense variant.
Genome position (GRCh38, 1-based): chr17:61,966,608, G>A on the plus strand (C>T on the coding strand, the complement: MED13 is on the minus strand). VCF-style: chr17-61966608-G-A. GRCh37 (hg19) VCF-style: chr17-60043969-G-A.
Other names: short protein forms T1412I.
Identifiers: ClinVar variation 4885981 (VCV004885981.2).

ClinVar aggregate classification (germline): Uncertain significance (1 of 4 stars; one submission).

Submission:

Dasa
Classification: Uncertain significance. Last evaluated: 2026-02-15. Review status: criteria provided, single submitter. Criteria: DASA Assertion Criteria. Collection method: clinical testing. Allele origin: germline.
Comment: NM_005121.3(MED13):c.4235C>T (p.Thr1412Ile) is a missense variant that results in the substitution of threonine with isoleucine. This variant is rare in population databases. The currently available literature and clinical evidence are not sufficient to establish a definitive association between this variant and the reported condition. Therefore, this variant is classified as a variant of uncertain significance.